The following is an entry in ClinVar:

ClinVar aggregate classification (germline): Likely benign. Review status: criteria provided, multiple submitters, no conflicts (2 of 4 stars). 2 submissions from 2 submitters: Likely benign (2). Last evaluated 2024-09-04.

Conditions:
Familial cancer of breast. Also called: Hereditary breast cancer; hereditary breast carcinoma; BREAST CANCER, FAMILIAL. Identifiers: Orphanet 227535, MedGen C0346153, MONDO:0016419, OMIM 114480. Disease mechanism: loss of function.
Fanconi anemia complementation group J. Also called: BRIP1-Related Fanconi Anemia. Identifiers: Orphanet 84, MedGen C1836860, MONDO:0012187, OMIM 609054.

Submissions (2):

Myriad Genetics, Inc.
Classification: Likely benign for Familial cancer of breast. Last evaluated: 2024-09-04. Review status: criteria provided, single submitter. Criteria: Myriad Autosomal Dominant, Autosomal Recessive and X-Linked Classification Criteria (2023). Collection method: clinical testing. Allele origin: unknown.
Comment: This variant is considered likely benign. This variant is intronic and is not expected to impact mRNA splicing.

Labcorp Genetics (formerly Invitae), Labcorp
Classification: Likely benign for Familial cancer of breast; Fanconi anemia complementation group J. Last evaluated: 2024-02-24. Review status: criteria provided, single submitter. Criteria: Invitae Variant Classification Sherloc (09022015). Collection method: clinical testing. Allele origin: germline.

NM_032043.3(BRIP1):c.2258-7G>A

Gene: BRIP1 (BRCA1 interacting DNA helicase 1; minus strand). Cytogenetic location: 17q23.2.
Variant type: single nucleotide variant.
Coding change: c.2258-7G>A on transcript NM_032043.3 (MANE Select); 7 bases into the intron before coding-DNA position 2258, G replaced by A.
Molecular consequence: intron variant.
Genome position (GRCh38, 1-based): chr17:61,743,141, C>T on the plus strand (G>A on the coding strand, the complement: BRIP1 is on the minus strand). VCF-style: chr17-61743141-C-T. GRCh37 (hg19) VCF-style: chr17-59820502-C-T.
Identifiers: ClinVar variation 407870 (VCV000407870.10), dbSNP rs1060501777, ClinGen allele CA16615801.